The following is an entry in ClinVar:

NM_001875.5(CPS1):c.4099C>T (p.Gln1367Ter)

Gene: CPS1 (carbamoyl-phosphate synthase 1; plus strand). Cytogenetic location: 2q34.
Variant type: single nucleotide variant.
Coding change: c.4099C>T on transcript NM_001875.5 (MANE Select); coding-DNA position 4099, C replaced by T.
Protein change: p.Gln1367Ter; replaces glutamine 1367 with a stop codon.
Molecular consequence: nonsense. On other transcripts: non-coding transcript variant (2).
Genome position (GRCh38, 1-based): chr2:210,668,282, C>T. VCF-style: chr2-210668282-C-T. GRCh37 (hg19) VCF-style: chr2-211533006-C-T.
Other names: c.4099C>T, p.Gln1367Ter (NM_001122633.3, NM_001369257.1); c.4132C>T, p.Gln1378Ter (NM_001369256.1); short protein forms Q1367*, Q1378*.
Identifiers: ClinVar variation 984077 (VCV000984077.4), dbSNP rs1701172643, ClinGen allele CA350440062.

ClinVar aggregate classification (germline): Pathogenic/Likely pathogenic. Review status: criteria provided, multiple submitters, no conflicts (2 of 4 stars). 2 submissions from 2 submitters: Pathogenic (1); Likely pathogenic (1). Last evaluated 2025-02-12.

Conditions:
Congenital hyperammonemia, type I. Also called: Carbamoyl phosphate synthetase I deficiency disease; Carbamoyl phosphate synthetase 1 deficiency; Hyperammonemia due to carbamoyl phosphate synthetase 1 deficiency; CPS 1 deficiency; Carbamyl phosphate synthetase (CPS) deficiency; Carbamoyl-phosphate synthase I deficiency. Identifiers: Orphanet 147, MedGen C4082171, MONDO:0009376, OMIM 237300.

Submissions (2):

Labcorp Genetics (formerly Invitae), Labcorp
Classification: Pathogenic for Congenital hyperammonemia, type I. Last evaluated: 2025-02-12. Review status: criteria provided, single submitter. Criteria: Invitae Variant Classification Sherloc (09022015). Collection method: clinical testing. Allele origin: germline.
Comment: This sequence change creates a premature translational stop signal (p.Gln1367*) in the CPS1 gene. It is expected to result in an absent or disrupted protein product. Loss-of-function variants in CPS1 are known to be pathogenic (PMID: 21120950). This variant is not present in population databases (gnomAD no frequency). This variant has not been reported in the literature in individuals affected with CPS1-related conditions. ClinVar contains an entry for this variant (Variation ID: 984077). For these reasons, this variant has been classified as Pathogenic.

Myriad Genetics, Inc.
Classification: Likely pathogenic for Congenital hyperammonemia, type I. Last evaluated: 2019-09-27. Review status: criteria provided, single submitter. Criteria: Myriad Women's Health Autosomal Recessive and X-Linked Classification Criteria (2019). Collection method: clinical testing. Allele origin: unknown.
Comment: NM_001875.4(CPS1):c.4099C>T(Q1367*) is expected to be pathogenic in the context of carbamoylphosphate synthetase I deficiency. This variant is predicted to lead to an abnormal or absent protein product due to the creation of a premature termination codon in CPS1, a gene where loss-of-function variants are known to be pathogenic. Please note: this variant was assessed in the context of healthy population screening.

Literature cited by the submitters: PubMed 21120950 (cited by Labcorp Genetics (formerly Invitae), Labcorp).